The following is an entry in ClinVar:

ClinVar aggregate classification (germline): Uncertain significance (1 of 4 stars; one submission).

Conditions:
Parkinsonism-dystonia, infantile. Identifiers: Orphanet 238455, MedGen C2751067, MONDO:0013150.

Allele frequency attached by ClinVar (database versions not stated): gnomAD exomes below 0.00001.
gnomAD v4.1: 1 of 1,593,888 alleles (0.000063%); highest among the groups gnomAD compares: Non-Finnish European, 0.000086%; no homozygotes.

Submission:

Labcorp Genetics (formerly Invitae), Labcorp
Classification: Uncertain significance for Parkinsonism-dystonia, infantile. Last evaluated: 2024-10-16. Review status: criteria provided, single submitter. Criteria: Invitae Variant Classification Sherloc (09022015). Collection method: clinical testing. Allele origin: germline.
Comment: This sequence change replaces arginine, which is basic and polar, with lysine, which is basic and polar, at codon 606 of the SLC6A3 protein (p.Arg606Lys). This variant is not present in population databases (gnomAD no frequency). This variant has not been reported in the literature in individuals affected with SLC6A3-related conditions. ClinVar contains an entry for this variant (Variation ID: 1009823). An algorithm developed to predict the effect of missense changes on protein structure and function (PolyPhen-2) suggests that this variant is likely to be tolerated. In summary, the available evidence is currently insufficient to determine the role of this variant in disease. Therefore, it has been classified as a Variant of Uncertain Significance.

NM_001044.5(SLC6A3):c.1817G>A (p.Arg606Lys)

Gene: SLC6A3 (solute carrier family 6 member 3). Cytogenetic location: 5p15.33.
Variant type: single nucleotide variant.
Coding change: c.1817G>A on transcript NM_001044.5 (MANE Select); coding-DNA position 1817, G replaced by A.
Protein change: p.Arg606Lys; replaces arginine 606 with lysine.
Molecular consequence: missense variant.
Genome position (GRCh38, 1-based): chr5:1,400,937, C>T on the plus strand (G>A on the coding strand, the complement: SLC6A3 is on the minus strand). VCF-style: chr5-1400937-C-T. GRCh37 (hg19) VCF-style: chr5-1401052-C-T.
Other names: short protein forms R606K.
Identifiers: ClinVar variation 1009823 (VCV001009823.7), dbSNP rs1755834750, ClinGen allele CA359072132.